The following is an entry in ClinVar:

NM_003742.4(ABCB11):c.547A>G (p.Met183Val)

Gene: ABCB11 (ATP binding cassette subfamily B member 11; minus strand). Cytogenetic location: 2q31.1.
Variant type: single nucleotide variant.
Coding change: c.547A>G on transcript NM_003742.4 (MANE Select); coding-DNA position 547, A replaced by G.
Protein change: p.Met183Val; replaces methionine 183 with valine.
Molecular consequence: missense variant.
Genome position (GRCh38, 1-based): chr2:168,995,413, T>C on the plus strand (A>G on the coding strand, the complement: ABCB11 is on the minus strand). VCF-style: chr2-168995413-T-C. GRCh37 (hg19) VCF-style: chr2-169851923-T-C.
Other names: short protein forms M183V.
Identifiers: ClinVar variation 4846098 (VCV004846098.1).

ClinVar aggregate classification (germline): Uncertain significance. Review status: criteria provided, multiple submitters, no conflicts (2 of 4 stars). 2 submissions from 2 submitters: Uncertain significance (2). Last evaluated 2026-04-14.

Conditions:
Familial intrahepatic cholestasis. Identifiers: Orphanet 284385, MedGen CN296401, MONDO:0017290.

Submissions (2):

Genomenon, Inc
Classification: Uncertain significance for Familial intrahepatic cholestasis. Last evaluated: 2026-04-14. Review status: criteria provided, single submitter. Criteria: Genomenon Sequence Variant Interpretation Standards - Updated. Collection method: curation. Allele origin: germline. Affected: yes.
Comment: ABCB11 p.Met183Val (c.547A>G) is a missense variant that changes the amino acid at residue 183 from Methionine to Valine. This variant has been observed in at least one proband with an ABCB11-related disorder (PMID:18853996). It is absent or not present at a significant frequency in gnomAD. In silico models predict that this variant is possibly or probably damaging. In conclusion, we classify ABCB11 p.Met183Val (c.547A>G) as a variant of uncertain significance.

Women's Health and Genetics/Laboratory Corporation of America, LabCorp
Classification: Uncertain significance. Last evaluated: 2026-02-20. Review status: criteria provided, single submitter. Criteria: LabCorp Variant Classification Summary - May 2015. Collection method: clinical testing. Allele origin: germline.
Comment: Variant summary: ABCB11 c.547A>G (p.Met183Val) results in a conservative amino acid change in the encoded protein sequence. Algorithms developed to predict the effect of missense changes on protein structure and function are either unavailable or do not agree on the potential impact of this missense change. The variant was absent in 248142 control chromosomes (gnomAD). The available data on variant occurrences in the general population are insufficient to allow any conclusion about variant significance. c.547A>G has been observed in one individual affected with Progressive familial intrahepatic cholestasis type 1 (Chen_2008). These data do not allow any conclusion about variant significance. To our knowledge, no experimental evidence demonstrating an impact on protein function has been reported. The following publications have been ascertained in the context of this evaluation (PMID: 18853996, 18692205). No submitters have cited clinical-significance assessments for this variant to ClinVar. Based on the evidence outlined above, the variant was classified as uncertain significance.

Literature cited by the submitters: PubMed 18853996 (cited by Genomenon, Inc and Women's Health and Genetics/Laboratory Corporation of America, LabCorp); PubMed 18692205 (cited by Women's Health and Genetics/Laboratory Corporation of America, LabCorp).